The following is an entry in ClinVar:

NM_001177316.2(SLC34A3):c.1567G>A (p.Gly523Arg)

Gene: SLC34A3 (solute carrier family 34 member 3; plus strand). Cytogenetic location: 9q34.3.
Variant type: single nucleotide variant.
Coding change: c.1567G>A on transcript NM_001177316.2 (MANE Select); coding-DNA position 1567, G replaced by A.
Protein change: p.Gly523Arg; replaces glycine 523 with arginine.
Molecular consequence: missense variant.
Genome position (GRCh38, 1-based): chr9:137,236,183, G>A. VCF-style: chr9-137236183-G-A. GRCh37 (hg19) VCF-style: chr9-140130635-G-A.
Other names: c.1567G>A, p.Gly523Arg (NM_001177317.2, NM_080877.3); c.1567G>A (NM_080877.2); short protein forms G523R.
Identifiers: ClinVar variation 1958341 (VCV001958341.3), dbSNP rs1374937369, ClinGen allele CA375741071.

ClinVar aggregate classification (germline): Uncertain significance. Review status: criteria provided, multiple submitters, no conflicts (2 of 4 stars). 2 submissions from 2 submitters: Uncertain significance (2). Last evaluated 2023-07-16.

Allele frequency attached by ClinVar (database versions not stated): TOPMed below 0.00001; gnomAD 0.00001.

Submissions (2):

GeneDx
Classification: Uncertain significance. Last evaluated: 2023-07-16. Review status: criteria provided, single submitter. Criteria: GeneDx Variant Classification Process June 2021. Collection method: clinical testing. Allele origin: germline. Affected: yes.
Comment: Not observed at significant frequency in large population cohorts (gnomAD); In silico analysis supports that this missense variant does not alter protein structure/function; Has not been previously published as pathogenic or benign to our knowledge

Labcorp Genetics (formerly Invitae), Labcorp
Classification: Uncertain significance. Last evaluated: 2022-07-13. Review status: criteria provided, single submitter. Criteria: Invitae Variant Classification Sherloc (09022015). Collection method: clinical testing. Allele origin: germline.
Comment: This sequence change replaces glycine, which is neutral and non-polar, with arginine, which is basic and polar, at codon 523 of the SLC34A3 protein (p.Gly523Arg). This variant is present in population databases (no rsID available, gnomAD 0.003%). This variant has not been reported in the literature in individuals affected with SLC34A3-related conditions. Algorithms developed to predict the effect of missense changes on protein structure and function are either unavailable or do not agree on the potential impact of this missense change (SIFT: "Tolerated"; PolyPhen-2: "Probably Damaging"; Align-GVGD: "Class C0"). In summary, the available evidence is currently insufficient to determine the role of this variant in disease. Therefore, it has been classified as a Variant of Uncertain Significance.